The following is an entry in ClinVar:

NM_001253697.2(ERBIN):c.1390T>C (p.Cys464Arg)

Gene: ERBIN (erbb2 interacting protein; plus strand). Cytogenetic location: 5q12.3.
Variant type: single nucleotide variant.
Coding change: c.1390T>C on transcript NM_001253697.2 (MANE Select); coding-DNA position 1390, T replaced by C.
Protein change: p.Cys464Arg; replaces cysteine 464 with arginine.
Molecular consequence: missense variant.
Genome position (GRCh38, 1-based): chr5:66,043,160, T>C. VCF-style: chr5-66043160-T-C. GRCh37 (hg19) VCF-style: chr5-65338988-T-C.
Other names: c.1390T>C, p.Cys464Arg (NM_001006600.3, NM_001253698.2, NM_001253699.2 and 2 more transcripts); short protein forms C464R.
Identifiers: ClinVar variation 4736347 (VCV004736347.1).

ClinVar aggregate classification (germline): Uncertain significance (1 of 4 stars; one submission).

Submission:

Labcorp Genetics (formerly Invitae), Labcorp
Classification: Uncertain significance. Last evaluated: 2026-01-28. Review status: criteria provided, single submitter. Criteria: Invitae Variant Classification Sherloc (09022015). Collection method: clinical testing. Allele origin: germline.
Comment: This sequence change replaces cysteine, which is neutral and slightly polar, with arginine, which is basic and polar, at codon 464 of the ERBIN protein (p.Cys464Arg). This variant is not present in population databases (gnomAD no frequency). This variant has not been reported in the literature in individuals affected with ERBIN-related conditions. An algorithm developed to predict the effect of missense changes on protein structure and function (PolyPhen-2) suggests that this variant is likely to be disruptive. In summary, the available evidence is currently insufficient to determine the role of this variant in disease. Therefore, it has been classified as a Variant of Uncertain Significance.